The following is an entry in ClinVar:

ClinVar aggregate classification (germline): Uncertain significance (1 of 4 stars; one submission).

Submission:

Labcorp Genetics (formerly Invitae), Labcorp
Classification: Uncertain significance. Last evaluated: 2024-05-06. Review status: criteria provided, single submitter. Criteria: Invitae Variant Classification Sherloc (09022015). Collection method: clinical testing. Allele origin: germline.
Comment: This sequence change replaces arginine, which is basic and polar, with glycine, which is neutral and non-polar, at codon 50 of the ATOH7 protein (p.Arg50Gly). This variant is not present in population databases (gnomAD no frequency). This variant has not been reported in the literature in individuals affected with ATOH7-related conditions. An algorithm developed to predict the effect of missense changes on protein structure and function (PolyPhen-2) suggests that this variant is likely to be disruptive. In summary, the available evidence is currently insufficient to determine the role of this variant in disease. Therefore, it has been classified as a Variant of Uncertain Significance.

NM_145178.4(ATOH7):c.148C>G (p.Arg50Gly)

Gene: ATOH7 (atonal bHLH transcription factor 7; minus strand). Cytogenetic location: 10q21.3.
Variant type: single nucleotide variant.
Coding change: c.148C>G on transcript NM_145178.4 (MANE Select); coding-DNA position 148, C replaced by G.
Protein change: p.Arg50Gly; replaces arginine 50 with glycine.
Molecular consequence: missense variant.
Genome position (GRCh38, 1-based): chr10:68,231,530, G>C on the plus strand (C>G on the coding strand, the complement: ATOH7 is on the minus strand). VCF-style: chr10-68231530-G-C. GRCh37 (hg19) VCF-style: chr10-69991287-G-C.
Other names: short protein forms R50G.
Identifiers: ClinVar variation 3652433 (VCV003652433.2).
Genomic context (GRCh38, chr10:68,231,530, plus strand): 5'-ACTGGGGAACCACCCTGCGTAAGCGGTCGAAGGCAGTGTTGAGCCCCTGCATGCGGCGGC[G>C]CTCGCGCGCGTTGGCCGCCAGGCGCCTGCGCGCCGCGCTCTCCAGCCGCCCGGCCCCGGC-3'
Protein context (NP_660161.1, residues 40-60): RRRLAANARE[Arg50Gly]RRMQGLNTAF